The following is an entry in ClinVar:

ClinVar aggregate classification (germline): Uncertain significance (1 of 4 stars; one submission).

Conditions:
Long QT syndrome (LQTS). Identifiers: MedGen C0023976, MeSH D008133, MONDO:0002442. Disease mechanism: loss of function. Inheritance: Various modes of inheritance.

Allele frequency attached by ClinVar (database versions not stated): ExAC 0.00002; ESP Exome Variant Server 0.00008.
gnomAD v4.1: 1 of 1,614,072 alleles (0.000062%); highest among the groups gnomAD compares: Non-Finnish European, 0.000085%; no homozygotes.

Submission:

Labcorp Genetics (formerly Invitae), Labcorp
Classification: Uncertain significance for Long QT syndrome. Last evaluated: 2025-06-27. Review status: criteria provided, single submitter. Criteria: Invitae Variant Classification Sherloc (09022015). Collection method: clinical testing. Allele origin: germline.
Comment: This sequence change creates a premature translational stop signal (p.Arg3294*) in the AKAP9 gene. It is expected to result in an absent or disrupted protein product. However, the current clinical and genetic evidence is not sufficient to establish whether loss-of-function variants in AKAP9 cause disease. This variant is present in population databases (rs145355395, gnomAD 0.002%). This variant has not been reported in the literature in individuals affected with AKAP9-related conditions. ClinVar contains an entry for this variant (Variation ID: 2910211). In summary, the available evidence is currently insufficient to determine the role of this variant in disease. Therefore, it has been classified as a Variant of Uncertain Significance.

NM_005751.5(AKAP9):c.9880C>T (p.Arg3294Ter)

Gene: AKAP9 (A-kinase anchoring protein 9; plus strand). Cytogenetic location: 7q21.2.
Variant type: single nucleotide variant.
Coding change: c.9880C>T on transcript NM_005751.5 (MANE Select); coding-DNA position 9880, C replaced by T.
Protein change: p.Arg3294Ter; replaces arginine 3294 with a stop codon.
Molecular consequence: nonsense.
Genome position (GRCh38, 1-based): chr7:92,096,839, C>T. VCF-style: chr7-92096839-C-T. GRCh37 (hg19) VCF-style: chr7-91726153-C-T.
Other names: c.4525C>T, p.Arg1509Ter (NM_001379277.1); c.9856C>T, p.Arg3286Ter (NM_147185.3); short protein forms R1509*, R3294*, R3286*.
Identifiers: ClinVar variation 2910211 (VCV002910211.3), dbSNP rs145355395, ClinGen allele CA4337863.
Genomic context (GRCh38, chr7:92,096,839, plus strand): 5'-CAGCAAAAAATAGAATCACAGAGAATGCTATATGATGCCCAGTTGTCAGAAGAACAAGGT[C>T]GAAACTTAGAGCTTCAGGTACTTCTTGAATCTGAGAAAGTTCGAATTCGGGAAATGAGTA-3'